The following is an entry in ClinVar:

NM_001195305.3(BBIP1):c.38-6160G>A

Gene: BBIP1 (BBSome interacting protein 1; minus strand). Cytogenetic location: 10q25.2.
Variant type: single nucleotide variant.
Coding change: c.38-6160G>A on transcript NM_001195305.3 (MANE Select); 6160 bases into the intron before coding-DNA position 38, G replaced by A.
Molecular consequence: intron variant. On other transcripts: synonymous variant (1).
Genome position (GRCh38, 1-based): chr10:110,907,772, C>T on the plus strand (G>A on the coding strand, the complement: BBIP1 is on the minus strand). VCF-style: chr10-110907772-C-T. GRCh37 (hg19) VCF-style: chr10-112667530-C-T.
Other names: c.102G>A, p.Thr34= (NM_001195304.2); c.38-6160G>A (NM_001195306.2); c.-29-6160G>A (NM_001243783.3); c.38-7246G>A (NM_001195307.2).
Identifiers: ClinVar variation 3030127 (VCV003030127.2), dbSNP rs1227863468, ClinGen allele CA471373584.
Genomic context (GRCh38, chr10:110,907,772, plus strand): 5'-CAGGCATCTTGAAGGATATGCAAATCCTGGTATAAAGGATGGTGATTGATACAATAACCA[C>T]GTTGTTCTTTGAGATGTTAATGGACTTTCTGATAAGATTCCATAGTTATTAAATTTGAGA-3'

ClinVar aggregate classification (germline): Likely benign (0 of 4 stars; one submission).

Conditions:
BBIP1-related disorder. Also called: BBIP1-related condition.

Allele frequency attached by ClinVar (database versions not stated): TOPMed below 0.00001; gnomAD exomes 0.00001.
gnomAD v4.1: 4 of 702,244 alleles (0.00057%); highest among the groups gnomAD compares: Non-Finnish European, 0.001%; no homozygotes.

Submission:

PreventionGenetics, part of Exact Sciences
Classification: Likely benign for BBIP1-related condition. Last evaluated: 2021-06-03. Review status: no assertion criteria provided. Collection method: clinical testing. Allele origin: germline.
Comment: This variant is classified as likely benign based on ACMG/AMP sequence variant interpretation guidelines (Richards et al. 2015 PMID: 25741868, with internal and published modifications).